The following is an entry in ClinVar:

NM_002519.3(NPAT):c.3106_3107delinsAC (p.Leu1036Thr)

Gene: NPAT (nuclear protein, coactivator of histone transcription; minus strand). Cytogenetic location: 11q22.3.
Variant type: Indel.
Coding change: c.3106_3107delinsAC on transcript NM_002519.3 (MANE Select); coding-DNA positions 3106 to 3107, CT replaced by AC.
Protein change: p.Leu1036Thr; replaces leucine 1036 with threonine.
Molecular consequence: missense variant.
Genome position (GRCh38, 1-based): chr11:108,161,979-108,161,980, AG replaced by GT on the plus strand (CT replaced by AC on the coding strand, the reverse complement: NPAT is on the minus strand). VCF-style: chr11-108161979-AG-GT. GRCh37 (hg19) VCF-style: chr11-108032706-AG-GT.
Other names: c.3127_3128delinsAC, p.Leu1043Thr (NM_001321307.1); short protein forms L1036T, L1043T.
Identifiers: ClinVar variation 4704440 (VCV004704440.1).

ClinVar aggregate classification (germline): Uncertain significance (1 of 4 stars; one submission).

Submission:

Labcorp Genetics (formerly Invitae), Labcorp
Classification: Uncertain significance. Last evaluated: 2026-01-21. Review status: criteria provided, single submitter. Criteria: Invitae Variant Classification Sherloc (09022015). Collection method: clinical testing. Allele origin: germline.
Comment: This sequence change replaces leucine, which is neutral and non-polar, with threonine, which is neutral and polar, at codon 1036 of the NPAT protein (p.Leu1036Thr). Information on the frequency of this variant in the gnomAD database is not available, as this variant may be reported differently in the database. This variant has not been reported in the literature in individuals affected with NPAT-related conditions. An algorithm developed to predict the effect of missense changes on protein structure and function (PolyPhen-2) suggests that this variant is likely to be tolerated. In summary, the available evidence is currently insufficient to determine the role of this variant in disease. Therefore, it has been classified as a Variant of Uncertain Significance.